The following is an entry in ClinVar:

NM_002432.3(MNDA):c.382G>T (p.Gly128Trp)

Gene: MNDA (myeloid cell nuclear differentiation antigen; plus strand). Cytogenetic location: 1q23.1.
Variant type: single nucleotide variant.
Coding change: c.382G>T on transcript NM_002432.3 (MANE Select); coding-DNA position 382, G replaced by T.
Protein change: p.Gly128Trp; replaces glycine 128 with tryptophan.
Molecular consequence: missense variant.
Genome position (GRCh38, 1-based): chr1:158,843,395, G>T. VCF-style: chr1-158843395-G-T. GRCh37 (hg19) VCF-style: chr1-158813185-G-T.
Other names: short protein forms G128W.
Identifiers: ClinVar variation 3222189 (VCV003222189.1), dbSNP rs1430111534, ClinGen allele CA343038811.

ClinVar aggregate classification (germline): Uncertain significance (1 of 4 stars; one submission).

Submission:

Ambry Genetics
Classification: Uncertain significance. Last evaluated: 2023-10-10. Review status: criteria provided, single submitter. Criteria: Ambry Variant Classification Scheme 2023. Collection method: clinical testing. Allele origin: germline.
Comment: The p.G128W variant (also known as c.382G>T), located in coding exon 2 of the MNDA gene, results from a G to T substitution at nucleotide position 382. The glycine at codon 128 is replaced by tryptophan, an amino acid with highly dissimilar properties. This amino acid position is conserved. In addition, this alteration is predicted to be tolerated by in silico analysis. Since supporting evidence is limited at this time, the clinical significance of this alteration remains unclear.